The following is an entry in ClinVar:

ClinVar aggregate classification (germline): Conflicting classifications of pathogenicity. Review status: criteria provided, conflicting classifications (1 of 4 stars). 9 submissions from 7 submitters: Uncertain significance (3); Benign (1); Likely benign (5). Last evaluated 2025-11-11.

Conditions:
Cardiovascular phenotype. Identifiers: MedGen CN230736.
Myosin storage myopathy (CMYO7A). Also called: MYOPATHY WITH LYSIS OF TYPE I MYOFIBRILS; MYH7-related late-onset scapuloperoneal muscular dystrophy; Congenital myopathy 7A, myosin storage, autosomal dominant; MYOPATHY, HYALINE BODY, AUTOSOMAL DOMINANT; Scapuloperoneal myopathy, MYH7-related; SCAPULOPERONEAL MUSCULAR DYSTROPHY. Identifiers: Orphanet 437572, Orphanet 636965, MedGen C1842160, MONDO:0008409, OMIM 608358.
Cardiomyopathy (CMYO). Also called: Cardiomyopathies. Identifiers: Orphanet 167848, MedGen C0878544, MONDO:0004994, HP:0001638. Inheritance: Various modes of inheritance.
Hypertrophic cardiomyopathy 1 (CMH1). Also called: Familial hypertrophic cardiomyopathy 1; MYH7-Related Familial Hypertrophic Cardiomyopathy. Identifiers: MedGen C3495498, MONDO:0008647, OMIM 192600.
MYH7-related skeletal myopathy. Also called: Myopathy, distal, 1; Laing early-onset distal myopathy; MYOPATHY, DISTAL, EARLY-ONSET, AUTOSOMAL DOMINANT; MYOPATHY, LATE DISTAL HEREDITARY; Laing distal myopathy. Identifiers: Orphanet 59135, MedGen C4552004, MONDO:0008050, OMIM 160500.
Hypertrophic cardiomyopathy. Also called: HYPERTROPHIC MYOCARDIOPATHY. Identifiers: Orphanet 217569, MedGen C0007194, MeSH D002312, MONDO:0005045, HP:0001639.

Allele frequency attached by ClinVar (database versions not stated): gnomAD 0.00002 and 0.00005; TOPMed 0.00002; gnomAD exomes 0.00003 and 0.00006; ExAC 0.00009; 1000 Genomes Project 30x 0.00016; 1000 Genomes Project 0.00020; ESP Exome Variant Server 0.00023.
gnomAD v4.1: 56 of 1,614,210 alleles (0.0035%); highest among the groups gnomAD compares: South Asian, 0.053%; 1 homozygote.

Submissions (9):

Labcorp Genetics (formerly Invitae), Labcorp
Classification: Likely benign for Hypertrophic cardiomyopathy. Last evaluated: 2025-11-11. Review status: criteria provided, single submitter. Criteria: Invitae Variant Classification Sherloc (09022015). Collection method: clinical testing. Allele origin: germline.

Ambry Genetics
Classification: Likely benign for Cardiovascular phenotype. Last evaluated: 2019-12-10. Review status: criteria provided, single submitter. Criteria: Ambry Variant Classification Scheme 2023. Collection method: clinical testing. Allele origin: germline.

Color Diagnostics, LLC DBA Color Health
Classification: Likely benign for Cardiomyopathy. Last evaluated: 2019-10-01. Review status: criteria provided, single submitter. Criteria: ACMG Guidelines, 2015. Collection method: clinical testing. Allele origin: germline.

GeneDx
Classification: Likely benign. Last evaluated: 2018-06-26. Review status: criteria provided, single submitter. Criteria: GeneDx Variant Classification Process June 2021. Collection method: clinical testing. Allele origin: germline. Affected: yes.

Illumina Laboratory Services, Illumina
Classification: Uncertain significance for Myosin storage myopathy. Last evaluated: 2018-01-13. Review status: criteria provided, single submitter. Criteria: ICSL Variant Classification Criteria 13 December 2019. Collection method: clinical testing. Allele origin: germline.

Illumina Laboratory Services, Illumina
Classification: Uncertain significance for Hypertrophic cardiomyopathy 1. Last evaluated: 2018-01-13. Review status: criteria provided, single submitter. Criteria: ICSL Variant Classification Criteria 13 December 2019. Collection method: clinical testing. Allele origin: germline.

Illumina Laboratory Services, Illumina
Classification: Benign for MYH7-related skeletal myopathy. Last evaluated: 2018-01-13. Review status: criteria provided, single submitter. Criteria: ICSL Variant Classification Criteria 13 December 2019. Collection method: clinical testing. Allele origin: germline.
Comment: This variant was observed in the ICSL laboratory as part of a predisposition screen in an ostensibly healthy population. It had not been previously curated by ICSL or reported in the Human Gene Mutation Database (HGMD: prior to June 1st, 2018), and was therefore a candidate for classification through an automated scoring system. Utilizing variant allele frequency, disease prevalence and penetrance estimates, and inheritance mode, an automated score was calculated to assess if this variant is too frequent to cause the disease. Based on the score and internal cut-off values, a variant classified as benign is not then subjected to further curation. The score for this variant resulted in a classification of benign for this disease.

CHEO Genetics Diagnostic Laboratory, Children's Hospital of Eastern Ontario
Classification: Uncertain significance for Cardiomyopathy. Last evaluated: 2015-10-22. Review status: criteria provided, single submitter. Criteria: ACMG Guidelines, 2015. Collection method: clinical testing. Allele origin: germline. Study: Canadian Open Genetics Repository.

Laboratory for Molecular Medicine, Mass General Brigham Personalized Medicine
Classification: Likely benign. Last evaluated: 2012-03-19. Review status: criteria provided, single submitter. Criteria: LMM Criteria. Collection method: clinical testing. Allele origin: germline. Observed: 1 variant allele.
Comment: p.Ser1519Ser in Exon 33 of MYH7: This variant is not expected to have clinical s ignificance because it does not alter an amino acid residue, is not located with in the splice consensus sequence. It has been identified in 1/3738 African Ameri can chromosomes from a broad population by the NHLBI Exome Sequencing Project (dbSNP rs150552664).

NM_000257.4(MYH7):c.4557C>T (p.Ser1519=)

Genes: MYH7 (myosin heavy chain 7; minus strand), MHRT (myosin heavy chain associated RNA transcript; plus strand). Cytogenetic location: 14q11.2.
Variant type: single nucleotide variant.
Coding change: c.4557C>T on transcript NM_000257.4 (MANE Select); coding-DNA position 4557, C replaced by T.
Protein change: p.Ser1519=; no amino-acid change (serine 1519 retained).
Molecular consequence: synonymous variant. On other transcripts: non-coding transcript variant (1).
Genome position (GRCh38, 1-based): chr14:23,416,955, G>A on the plus strand (C>T on the coding strand, the complement: MYH7 is on the minus strand). VCF-style: chr14-23416955-G-A. GRCh37 (hg19) VCF-style: chr14-23886164-G-A.
Identifiers: ClinVar variation 178081 (VCV000178081.26), dbSNP rs150552664, ClinGen allele CA015108.